The following is an entry in ClinVar:

ClinVar aggregate classification (germline): Uncertain significance (1 of 4 stars; one submission).

Submission:

Ambry Genetics
Classification: Uncertain significance. Last evaluated: 2024-11-09. Review status: criteria provided, single submitter. Criteria: Ambry Variant Classification Scheme 2023. Collection method: clinical testing. Allele origin: germline.
Comment: The p.S1134T variant (also known as c.3401G>C), located in coding exon 3 of the MLH3 gene, results from a G to C substitution at nucleotide position 3401. The serine at codon 1134 is replaced by threonine, an amino acid with similar properties. This amino acid position is conserved. In addition, this alteration is predicted to be tolerated by in silico analysis. Since supporting evidence is limited at this time, the clinical significance of this alteration remains unclear.

NM_001040108.2(MLH3):c.3401G>C (p.Ser1134Thr)

Gene: MLH3 (mutL homolog 3; minus strand). Cytogenetic location: 14q24.3.
Variant type: single nucleotide variant.
Coding change: c.3401G>C on transcript NM_001040108.2 (MANE Select); coding-DNA position 3401, G replaced by C.
Protein change: p.Ser1134Thr; replaces serine 1134 with threonine.
Molecular consequence: missense variant.
Genome position (GRCh38, 1-based): chr14:75,041,679, C>G on the plus strand (G>C on the coding strand, the complement: MLH3 is on the minus strand). VCF-style: chr14-75041679-C-G. GRCh37 (hg19) VCF-style: chr14-75508382-C-G.
Other names: c.3401G>C, p.Ser1134Thr (NM_014381.3); short protein forms S1134T.
Identifiers: ClinVar variation 1731075 (VCV001731075.3), dbSNP rs2139495014, ClinGen allele CA390431038.
Genomic context (GRCh38, chr14:75,041,679, plus strand): 5'-GGATAACGGGCAAATACTGGATTGTCCCATTCTGAGAACAAAGACTGAAGCGATTCGCTA[C>G]TAACAGTATCATCCACAGTATCTAGGGCAAAAGGGAACAGGTAAAGTTGGCATCCAGAAC-3'
Protein context (NP_001035197.1, residues 1124-1144): DNRDTVDDTV[Ser1134Thr]SESLQSLFSE